The following is an entry in ClinVar:

ClinVar aggregate classification (germline): Likely benign. Review status: criteria provided, multiple submitters, no conflicts (2 of 4 stars). 2 submissions from 2 submitters: Likely benign (2). Last evaluated 2025-10-06.

Conditions:
VPS13B-related disorder. Also called: VPS13B-related condition.
Cohen syndrome (COH1). Also called: Cutis verticis gyrata, retinitis pigmentosa, and sensorineural deafness; PEPPER SYNDROME. Identifiers: Orphanet 193, MedGen C0265223, MONDO:0008999, OMIM 216550.

Allele frequency attached by ClinVar (database versions not stated): gnomAD 0.00001; gnomAD exomes 0.00001; TOPMed 0.00001.
gnomAD v4.1: 11 of 1,613,928 alleles (0.00068%); highest among the groups gnomAD compares: Admixed American, 0.0017%; no homozygotes.

Submissions (2):

PreventionGenetics, part of Exact Sciences
Classification: Likely benign for VPS13B-related condition. Last evaluated: 2025-10-06. Review status: criteria provided, single submitter. Criteria: ACMG Guidelines, 2015. Collection method: clinical testing. Allele origin: germline.
Comment: This variant is classified as likely benign based on ACMG/AMP sequence variant interpretation guidelines (Richards et al. 2015 PMID: 25741868, with internal and published modifications).

Labcorp Genetics (formerly Invitae), Labcorp
Classification: Likely benign for Cohen syndrome. Last evaluated: 2023-05-30. Review status: criteria provided, single submitter. Criteria: Invitae Variant Classification Sherloc (09022015). Collection method: clinical testing. Allele origin: germline.

NM_152564.5(VPS13B):c.4020A>G (p.Pro1340=)

Gene: VPS13B (vacuolar protein sorting 13 homolog B; plus strand). Cytogenetic location: 8q22.2.
Variant type: single nucleotide variant.
Coding change: c.4020A>G on transcript NM_152564.5 (MANE Select); coding-DNA position 4020, A replaced by G.
Protein change: p.Pro1340=; no amino-acid change (proline 1340 retained).
Molecular consequence: synonymous variant.
Genome position (GRCh38, 1-based): chr8:99,501,836, A>G. VCF-style: chr8-99501836-A-G. GRCh37 (hg19) VCF-style: chr8-100514064-A-G.
Other names: c.4020A>G, p.Pro1340= (NM_017890.5); c.4020A>G (NM_152564.4).
Identifiers: ClinVar variation 1080749 (VCV001080749.10), dbSNP rs1821247586, ClinGen allele CA462436619.